The following is an entry in ClinVar:

NM_001378454.1(ALMS1):c.11028G>T (p.Lys3676Asn)

Gene: ALMS1 (ALMS1 centrosome and basal body associated protein; plus strand). Cytogenetic location: 2p13.1.
Variant type: single nucleotide variant.
Coding change: c.11028G>T on transcript NM_001378454.1 (MANE Select); coding-DNA position 11028, G replaced by T.
Protein change: p.Lys3676Asn; replaces lysine 3676 with asparagine.
Molecular consequence: missense variant.
Genome position (GRCh38, 1-based): chr2:73,572,905, G>T. VCF-style: chr2-73572905-G-T. GRCh37 (hg19) VCF-style: chr2-73800032-G-T.
Other names: c.11031G>T, p.Lys3677Asn (NM_015120.4); short protein forms K3677N, K3676N.
Identifiers: ClinVar variation 2839113 (VCV002839113.3), dbSNP rs1275803711, ClinGen allele CA347286994.

ClinVar aggregate classification (germline): Uncertain significance (1 of 4 stars; one submission).

Conditions:
Alstrom syndrome (ALMS). Identifiers: Orphanet 64, MedGen C0268425, MONDO:0008763, OMIM 203800.

Submission:

Labcorp Genetics (formerly Invitae), Labcorp
Classification: Uncertain significance for Alstrom syndrome. Last evaluated: 2023-02-20. Review status: criteria provided, single submitter. Criteria: Invitae Variant Classification Sherloc (09022015). Collection method: clinical testing. Allele origin: germline.
Comment: In summary, the available evidence is currently insufficient to determine the role of this variant in disease. Therefore, it has been classified as a Variant of Uncertain Significance. Experimental studies and prediction algorithms are not available or were not evaluated, and the functional significance of this variant is currently unknown. This variant has not been reported in the literature in individuals affected with ALMS1-related conditions. This variant is not present in population databases (gnomAD no frequency). This sequence change replaces lysine, which is basic and polar, with asparagine, which is neutral and polar, at codon 3677 of the ALMS1 protein (p.Lys3677Asn).